The following is an entry in ClinVar:

ClinVar aggregate classification (germline): Uncertain significance. Review status: criteria provided, multiple submitters, no conflicts (2 of 4 stars). 2 submissions from 2 submitters: Uncertain significance (2). Last evaluated 2025-10-29.

Conditions:
Inborn genetic diseases. Identifiers: MedGen C0950123, MeSH D030342.
Idiopathic generalized epilepsy. Also called: EIG; Generalised epilepsy. Identifiers: MedGen C0270850, MONDO:0005579, OMIM 600669.
Hyperaldosteronism, familial, type IV (HALD4). Also called: FH IV; ALDOSTERONISM, PRIMARY, AND HYPERTENSION. Identifiers: Orphanet 642671, MedGen C4310756, MONDO:0014875, OMIM 617027.

Allele frequency attached by ClinVar (database versions not stated): TOPMed below 0.00001; 1000 Genomes Project 30x 0.00016; gnomAD 0.00002.
gnomAD v4.1: 18 of 1,558,038 alleles (0.0012%); highest among the groups gnomAD compares: Non-Finnish European, 0.0016%; no homozygotes.

Submissions (2):

Labcorp Genetics (formerly Invitae), Labcorp
Classification: Uncertain significance for Idiopathic generalized epilepsy; Hyperaldosteronism, familial, type IV. Last evaluated: 2025-10-29. Review status: criteria provided, single submitter. Criteria: Invitae Variant Classification Sherloc (09022015). Collection method: clinical testing. Allele origin: germline.
Comment: This sequence change replaces aspartic acid, which is acidic and polar, with asparagine, which is neutral and polar, at codon 2131 of the CACNA1H protein (p.Asp2131Asn). This variant is not present in population databases (gnomAD no frequency). This variant has not been reported in the literature in individuals affected with CACNA1H-related conditions. ClinVar contains an entry for this variant (Variation ID: 2276928). Invitae Evidence Modeling of protein sequence and biophysical properties (such as structural, functional, and spatial information, amino acid conservation, physicochemical variation, residue mobility, and thermodynamic stability) indicates that this missense variant is not expected to disrupt CACNA1H protein function with a negative predictive value of 80%. In summary, the available evidence is currently insufficient to determine the role of this variant in disease. Therefore, it has been classified as a Variant of Uncertain Significance.

Ambry Genetics
Classification: Uncertain significance for Inborn genetic diseases. Last evaluated: 2022-02-10. Review status: criteria provided, single submitter. Criteria: Ambry Variant Classification Scheme 2023. Collection method: clinical testing. Allele origin: germline.

NM_021098.3(CACNA1H):c.6391G>A (p.Asp2131Asn)

Gene: CACNA1H (calcium voltage-gated channel subunit alpha1 H; plus strand). Cytogenetic location: 16p13.3.
Variant type: single nucleotide variant.
Coding change: c.6391G>A on transcript NM_021098.3 (MANE Select); coding-DNA position 6391, G replaced by A.
Protein change: p.Asp2131Asn; replaces aspartic acid 2131 with asparagine.
Molecular consequence: missense variant.
Genome position (GRCh38, 1-based): chr16:1,220,323, G>A. VCF-style: chr16-1220323-G-A. GRCh37 (hg19) VCF-style: chr16-1270323-G-A.
Other names: c.6373G>A, p.Asp2125Asn (NM_001005407.2); short protein forms D2125N, D2131N.
Identifiers: ClinVar variation 2276928 (VCV002276928.3), dbSNP rs188972724, ClinGen allele CA276613988.